The following is an entry in ClinVar:

ClinVar aggregate classification (germline): Uncertain significance (1 of 4 stars; one submission).

gnomAD v4.1: 5 of 1,595,338 alleles (0.00031%); highest among the groups gnomAD compares: South Asian, 0.0046%; no homozygotes.

Submission:

Women's Health and Genetics/Laboratory Corporation of America, LabCorp
Classification: Uncertain significance. Last evaluated: 2025-03-12. Review status: criteria provided, single submitter. Criteria: LabCorp Variant Classification Summary - May 2015. Collection method: clinical testing. Allele origin: germline.
Comment: Variant summary: CFTR c.1859A>T (p.His620Leu) results in a non-conservative amino acid change in the encoded protein sequence. Five of five in-silico tools predict a damaging effect of the variant on protein function. The variant allele was found at a frequency of 4.3e-06 in 233816 control chromosomes (gnomAD). To our knowledge, no occurrence of c.1859A>T in individuals affected with Cystic Fibrosis has been reported. At least one publication reports experimental evidence evaluating an impact on protein function. The most pronounced variant effect resulted in approximately 27% of normal chloride channel conductance relative to wild type (Bihler_2024). The following publication has been ascertained in the context of this evaluation (PMID: 38388235). No submitters have cited clinical-significance assessments for this variant to ClinVar. Based on the evidence outlined above, the variant was classified as VUS-possibly pathogenic.

Literature cited by the submitters: PubMed 38388235.

NM_000492.4(CFTR):c.1859A>T (p.His620Leu)

Gene: CFTR (CF transmembrane conductance regulator; plus strand). Cytogenetic location: 7q31.2.
Variant type: single nucleotide variant.
Coding change: c.1859A>T on transcript NM_000492.4 (MANE Select); coding-DNA position 1859, A replaced by T.
Protein change: p.His620Leu; replaces histidine 620 with leucine.
Molecular consequence: missense variant.
Genome position (GRCh38, 1-based): chr7:117,592,026, A>T. VCF-style: chr7-117592026-A-T. GRCh37 (hg19) VCF-style: chr7-117232080-A-T.
Other names: short protein forms H620L.
Identifiers: ClinVar variation 3895699 (VCV003895699.1).
Genomic context (GRCh38, chr7:117,592,026, plus strand): 5'-GGATTTTGGTCACTTCTAAAATGGAACATTTAAAGAAAGCTGACAAAATATTAATTTTGC[A>T]TGAAGGTAGCAGCTATTTTTATGGGACATTTTCAGAACTCCAAAATCTACAGCCAGACTT-3'
Protein context (NP_000483.3, residues 610-630): LKKADKILIL[His620Leu]EGSSYFYGTF